The following is an entry in ClinVar:

NM_002519.3(NPAT):c.443C>T (p.Thr148Ile)

Gene: NPAT (nuclear protein, coactivator of histone transcription; minus strand). Cytogenetic location: 11q22.3.
Variant type: single nucleotide variant.
Coding change: c.443C>T on transcript NM_002519.3 (MANE Select); coding-DNA position 443, C replaced by T.
Protein change: p.Thr148Ile; replaces threonine 148 with isoleucine.
Molecular consequence: missense variant.
Genome position (GRCh38, 1-based): chr11:108,189,219, G>A on the plus strand (C>T on the coding strand, the complement: NPAT is on the minus strand). VCF-style: chr11-108189219-G-A. GRCh37 (hg19) VCF-style: chr11-108059946-G-A.
Other names: c.443C>T, p.Thr148Ile (NM_001321307.1); short protein forms T148I.
Identifiers: ClinVar variation 3407217 (VCV003407217.1).
Genomic context (GRCh38, chr11:108,189,219, plus strand): 5'-GATGGATCTGAAATTTGGCCACTTGGTCGAGTAACCTGTGTACCTGTGGAAGGAGGAGTG[G>A]TAAACTGTCCTGAAAGGTAAGGTAAAGTGAGCAACTCTGCACTGGCTGGAGCTGTTTGAG-3'
Protein context (NP_002510.2, residues 138-158): LTLPYLSGQF[Thr148Ile]TPPSTGTQVT

ClinVar aggregate classification (germline): Uncertain significance (1 of 4 stars; one submission).

Submission:

Ambry Genetics
Classification: Uncertain significance. Last evaluated: 2024-09-15. Review status: criteria provided, single submitter. Criteria: Ambry Variant Classification Scheme 2023. Collection method: clinical testing. Allele origin: germline.
Comment: The p.T148I variant (also known as c.443C>T), located in coding exon 6 of the NPAT gene, results from a C to T substitution at nucleotide position 443. The threonine at codon 148 is replaced by isoleucine, an amino acid with similar properties. This amino acid position is conserved. In addition, this alteration is predicted to be tolerated by in silico analysis. Based on the available evidence, the clinical significance of this variant remains unclear.